The following is an entry in ClinVar:

NM_006766.5(KAT6A):c.4746T>G (p.Ser1582=)

Gene: KAT6A (lysine acetyltransferase 6A; minus strand). Cytogenetic location: 8p11.21.
Variant type: single nucleotide variant.
Coding change: c.4746T>G on transcript NM_006766.5 (MANE Select); coding-DNA position 4746, T replaced by G.
Protein change: p.Ser1582=; no amino-acid change (serine 1582 retained).
Molecular consequence: synonymous variant.
Genome position (GRCh38, 1-based): chr8:41,933,474, A>C on the plus strand (T>G on the coding strand, the complement: KAT6A is on the minus strand). VCF-style: chr8-41933474-A-C. GRCh37 (hg19) VCF-style: chr8-41790992-A-C.
Identifiers: ClinVar variation 2658574 (VCV002658574.24), dbSNP rs1207036786, ClinGen allele CA460783826.
Genomic context (GRCh38, chr8:41,933,474, plus strand): 5'-GCTGCTCTGGGTGAGGCTGCTGGAGGACGACAGCCCACCGTAGGAGCAGCTGCTCTGGGA[A>C]GAGCTGTTCCCACAGATGCTGCCGCCCATCGTGGAGTCGTAACTGCTTGGGTTCTCATAG-3'
Protein context (NP_006757.2, residues 1572-1592): TMGGSICGNS[Ser1582=]SQSSCSYGGL

ClinVar aggregate classification (germline): Likely benign (1 of 4 stars; one submission).

Allele frequency attached by ClinVar (database versions not stated): TOPMed below 0.00001.

Submission:

CeGaT Center for Human Genetics Tuebingen
Classification: Likely benign. Last evaluated: 2023-05-01. Review status: criteria provided, single submitter. Criteria: CeGaT Center For Human Genetics Tuebingen Variant Classification Criteria Version 2. Collection method: clinical testing. Allele origin: germline. Affected: yes. Observed: 2 variant alleles.
Comment: KAT6A: PM2:Supporting, BP4, BP7